The following is an entry in ClinVar:

NM_016333.4(SRRM2):c.5812A>G (p.Arg1938Gly)

Gene: SRRM2 (serine/arginine repetitive matrix 2; plus strand). Cytogenetic location: 16p13.3.
Variant type: single nucleotide variant.
Coding change: c.5812A>G on transcript NM_016333.4 (MANE Select); coding-DNA position 5812, A replaced by G.
Protein change: p.Arg1938Gly; replaces arginine 1938 with glycine.
Molecular consequence: missense variant.
Genome position (GRCh38, 1-based): chr16:2,766,340, A>G. VCF-style: chr16-2766340-A-G. GRCh37 (hg19) VCF-style: chr16-2816341-A-G.
Other names: short protein forms R1938G.
Identifiers: ClinVar variation 4526238 (VCV004526238.1).

ClinVar aggregate classification (germline): Uncertain significance (1 of 4 stars; one submission).

gnomAD v4.1: 3 of 1,614,214 alleles (0.00019%); highest among the groups gnomAD compares: South Asian, 0.0011%; no homozygotes.

Submission:

Women's Health and Genetics/Laboratory Corporation of America, LabCorp
Classification: Uncertain significance. Last evaluated: 2025-07-23. Review status: criteria provided, single submitter. Criteria: LabCorp Variant Classification Summary - May 2015. Collection method: clinical testing. Allele origin: germline.
Comment: Variant summary: SRRM2 c.5812A>G (p.Arg1938Gly) results in a non-conservative amino acid change in the encoded protein sequence. Algorithms developed to predict the effect of missense changes on protein structure and function are either unavailable or do not agree on the potential impact of this missense change. The variant was absent in 251398 control chromosomes. The available data on variant occurrences in the general population are insufficient to allow any conclusion about variant significance. To our knowledge, no occurrence of c.5812A>G in individuals affected with Intellectual Developmental Disorder, Autosomal Dominant 72 and no experimental evidence demonstrating its impact on protein function have been reported. No submitters have cited clinical-significance assessments for this variant to ClinVar. Based on the evidence outlined above, the variant was classified as uncertain significance.